The following is an entry in ClinVar:

NM_004279.3(PMPCB):c.458-5A>G

Gene: PMPCB (peptidase, mitochondrial processing subunit beta; plus strand). Cytogenetic location: 7q22.1.
Variant type: single nucleotide variant.
Coding change: c.458-5A>G on transcript NM_004279.3 (MANE Select); 5 bases into the intron before coding-DNA position 458, A replaced by G.
Molecular consequence: intron variant.
Genome position (GRCh38, 1-based): chr7:103,303,837, A>G. VCF-style: chr7-103303837-A-G. GRCh37 (hg19) VCF-style: chr7-102944284-A-G.
Identifiers: ClinVar variation 1991227 (VCV001991227.3), dbSNP rs773275043, ClinGen allele CA4417966.
Genomic context (GRCh38, chr7:103,303,837, plus strand): 5'-TAATAGATTTTAATAGTGAAAGTTAAGATTGCTGGCACGTTTTCTTATATTTTATTTTCA[A>G]TTAGCTGTAGAAATTCTTGCTGATATAATACAAAACAGCACATTGGGAGAAGCAGAGATT-3'

ClinVar aggregate classification (germline): Uncertain significance (1 of 4 stars; one submission).

Allele frequency attached by ClinVar (database versions not stated): ExAC 0.00001; gnomAD 0.00001; TOPMed 0.00002; gnomAD exomes 0.00004.
gnomAD v4.1: 56 of 1,589,622 alleles (0.0035%); highest among the groups gnomAD compares: Non-Finnish European, 0.0046%; no homozygotes.

Submission:

Labcorp Genetics (formerly Invitae), Labcorp
Classification: Uncertain significance. Last evaluated: 2022-03-28. Review status: criteria provided, single submitter. Criteria: Invitae Variant Classification Sherloc (09022015). Collection method: clinical testing. Allele origin: germline.
Comment: This variant is present in population databases (rs773275043, gnomAD 0.0009%). This sequence change falls in intron 4 of the PMPCB gene. It does not directly change the encoded amino acid sequence of the PMPCB protein. This variant has not been reported in the literature in individuals affected with PMPCB-related conditions. Algorithms developed to predict the effect of sequence changes on RNA splicing suggest that this variant may disrupt the consensus splice site. In summary, the available evidence is currently insufficient to determine the role of this variant in disease. Therefore, it has been classified as a Variant of Uncertain Significance.